The following is an entry in ClinVar:

NM_001267550.2(TTN):c.39385G>A (p.Val13129Ile)

Gene: TTN (titin; minus strand). Cytogenetic location: 2q31.2.
Variant type: single nucleotide variant.
Coding change: c.39385G>A on transcript NM_001267550.2 (MANE Select); coding-DNA position 39385, G replaced by A.
Protein change: p.Val13129Ile; replaces valine 13129 with isoleucine.
Molecular consequence: missense variant. On other transcripts: intron variant (3).
Genome position (GRCh38, 1-based): chr2:178,651,744, C>T on the plus strand (G>A on the coding strand, the complement: TTN is on the minus strand). VCF-style: chr2-178651744-C-T. GRCh37 (hg19) VCF-style: chr2-179516471-C-T.
Other names: c.32083G>A, p.Val10695Ile (NM_133378.4); c.34864G>A, p.Val11622Ile (NM_001256850.1); c.13283-9427G>A (NM_003319.4); c.13859-9427G>A (NM_133437.4); c.13658-9427G>A (NM_133432.3); short protein forms V10695I, V13129I, V11622I.
Identifiers: ClinVar variation 229427 (VCV000229427.19), dbSNP rs774557269, ClinGen allele CA1996731.

ClinVar aggregate classification (germline): Conflicting classifications of pathogenicity. Review status: criteria provided, conflicting classifications (1 of 4 stars). 11 submissions from 7 submitters: Uncertain significance (8); Benign (1); Likely benign (2). Last evaluated 2026-09-21.

Conditions:
TTN-related disorder. Also called: TTN-related disorders; TTN-related condition; TTN-related disease.
Early-onset myopathy with fatal cardiomyopathy (CMYO5). Also called: Salih Myopathy; CONGENITAL MYOPATHY 5 WITH CARDIOMYOPATHY. Identifiers: Orphanet 289377, MedGen C2673677, MONDO:0012714, OMIM 611705. Disease mechanism: loss of function.
Myopathy, myofibrillar, 9, with early respiratory failure (MFM9). Also called: Hereditary myopathy with early respiratory failure; MYOPATHY, PROXIMAL, WITH EARLY RESPIRATORY MUSCLE INVOLVEMENT; EDSTROM MYOPATHY; Myopathy, distal, with early respiratory failure, autosomal dominant. Identifiers: Orphanet 178464, Orphanet 34521, MedGen C1863599, MONDO:0011362, OMIM 603689.
Autosomal recessive limb-girdle muscular dystrophy type 2J (LGMDR10). Also called: Limb-girdle muscular dystrophy, type 2J; MUSCULAR DYSTROPHY, LIMB-GIRDLE, AUTOSOMAL RECESSIVE 10. Identifiers: Orphanet 140922, MedGen C1837342, MONDO:0012127, OMIM 608807.
Tibial muscular dystrophy (TMD). Also called: UDD MYOPATHY; Udd Distal Myopathy – Tibial Muscular Dystrophy; Tibial muscular dystrophy, tardive. Identifiers: Orphanet 609, MedGen C1838244, MONDO:0010870, OMIM 600334.
Dilated cardiomyopathy 1G (CMD1G). Identifiers: Orphanet 154, MedGen C1858763, MONDO:0011400, OMIM 604145.

Allele frequency attached by ClinVar (database versions not stated): gnomAD 0.00004 and 0.00007; gnomAD exomes 0.00004 and 0.00008; TOPMed 0.00008; ExAC 0.00009.
gnomAD v4.1: 78 of 1,612,646 alleles (0.0048%); highest among the groups gnomAD compares: Middle Eastern, 0.066%; no homozygotes.

Submissions (11):

Molecular Diagnostic Laboratory for Inherited Cardiovascular Disease, Montreal Heart Institute
Classification: Likely benign. Last evaluated: 2026-09-21. Review status: criteria provided, single submitter. Criteria: ACMG Guidelines, 2015. Collection method: clinical testing. Allele origin: germline. Affected: no.
Comment: BP1

PreventionGenetics, part of Exact Sciences
Classification: Uncertain significance for TTN-related condition. Last evaluated: 2026-04-15. Review status: criteria provided, single submitter. Criteria: ACMG Guidelines, 2015. Collection method: clinical testing. Allele origin: germline.
Comment: The TTN c.39385G>A variant is predicted to result in the amino acid substitution p.Val13129Ile. This variant has been reported in an individual with dilated cardiomyopathy (Table S7, Mazzarotto et al. 2020. PubMed ID: 31983221). This variant is reported in 0.020% of alleles in individuals of South Asian descent in gnomAD. At this time, the clinical significance of this variant is uncertain due to the absence of conclusive functional and genetic evidence.

Revvity Omics, Revvity
Classification: Uncertain significance. Last evaluated: 2025-07-16. Review status: criteria provided, single submitter. Criteria: ACMG Guidelines, 2015. Collection method: clinical testing. Allele origin: germline.

Blueprint Genetics
Classification: Uncertain significance. Last evaluated: 2024-10-21. Review status: criteria provided, single submitter. Criteria: ACMG Guidelines, 2015. Collection method: clinical testing. Allele origin: germline.

Laboratory for Molecular Medicine, Mass General Brigham Personalized Medicine
Classification: Uncertain significance. Last evaluated: 2021-02-02. Review status: criteria provided, single submitter. Criteria: LMM Criteria. Collection method: clinical testing. Allele origin: germline. Observed: 1 variant allele.
Comment: proposed classification - variant undergoing re-assessment, contact laboratory

Illumina Laboratory Services, Illumina
Classification: Uncertain significance for Early-onset myopathy with fatal cardiomyopathy. Last evaluated: 2018-01-13. Review status: criteria provided, single submitter. Criteria: ICSL Variant Classification Criteria 13 December 2019. Collection method: clinical testing. Allele origin: germline.

Illumina Laboratory Services, Illumina
Classification: Uncertain significance for Autosomal recessive limb-girdle muscular dystrophy type 2J. Last evaluated: 2018-01-13. Review status: criteria provided, single submitter. Criteria: ICSL Variant Classification Criteria 13 December 2019. Collection method: clinical testing. Allele origin: germline.

Illumina Laboratory Services, Illumina
Classification: Uncertain significance for Dilated cardiomyopathy 1G. Last evaluated: 2018-01-13. Review status: criteria provided, single submitter. Criteria: ICSL Variant Classification Criteria 13 December 2019. Collection method: clinical testing. Allele origin: germline.

Illumina Laboratory Services, Illumina
Classification: Likely benign for Myopathy, myofibrillar, 9, with early respiratory failure. Last evaluated: 2018-01-13. Review status: criteria provided, single submitter. Criteria: ICSL Variant Classification Criteria 13 December 2019. Collection method: clinical testing. Allele origin: germline.
Comment: This variant was observed in the ICSL laboratory as part of a predisposition screen in an ostensibly healthy population. It had not been previously curated by ICSL or reported in the Human Gene Mutation Database (HGMD: prior to June 1st, 2018), and was therefore a candidate for classification through an automated scoring system. Utilizing variant allele frequency, disease prevalence and penetrance estimates, and inheritance mode, an automated score was calculated to assess if this variant is too frequent to cause the disease. Based on the score and internal cut-off values, a variant classified as likely benign is not then subjected to further curation. The score for this variant resulted in a classification of likely benign for this disease.

Illumina Laboratory Services, Illumina
Classification: Benign for Tibial muscular dystrophy. Last evaluated: 2018-01-13. Review status: criteria provided, single submitter. Criteria: ICSL Variant Classification Criteria 13 December 2019. Collection method: clinical testing. Allele origin: germline.
Comment: This variant was observed in the ICSL laboratory as part of a predisposition screen in an ostensibly healthy population. It had not been previously curated by ICSL or reported in the Human Gene Mutation Database (HGMD: prior to June 1st, 2018), and was therefore a candidate for classification through an automated scoring system. Utilizing variant allele frequency, disease prevalence and penetrance estimates, and inheritance mode, an automated score was calculated to assess if this variant is too frequent to cause the disease. Based on the score and internal cut-off values, a variant classified as benign is not then subjected to further curation. The score for this variant resulted in a classification of benign for this disease.

Eurofins Ntd Llc (ga)
Classification: Uncertain significance. Last evaluated: 2016-11-29. Review status: criteria provided, single submitter. Criteria: EGL Classification Definitions 2015. Collection method: clinical testing. Allele origin: germline. Observed: 1 variant allele, 1 heterozygote.